The following is an entry in ClinVar:

ClinVar aggregate classification (germline): Uncertain significance (1 of 4 stars; one submission).

Conditions:
Exostoses, multiple, type 2 (EXT2). Also called: Hereditary Multiple Osteochondromatosis, Type II; EXOSTOSES, MULTIPLE, TYPE II. Identifiers: Orphanet 321, MedGen C1851413, MONDO:0007586, OMIM 133701.

gnomAD v4.1: 4 of 1,613,972 alleles (0.00025%); highest among the groups gnomAD compares: Non-Finnish European, 0.00034%; no homozygotes.

Submission:

Labcorp Genetics (formerly Invitae), Labcorp
Classification: Uncertain significance for Exostoses, multiple, type 2. Last evaluated: 2023-09-05. Review status: criteria provided, single submitter. Criteria: Invitae Variant Classification Sherloc (09022015). Collection method: clinical testing. Allele origin: germline.
Comment: This sequence change replaces lysine, which is basic and polar, with asparagine, which is neutral and polar, at codon 436 of the EXT2 protein (p.Lys436Asn). In summary, the available evidence is currently insufficient to determine the role of this variant in disease. Therefore, it has been classified as a Variant of Uncertain Significance. An algorithm developed to predict the effect of missense changes on protein structure and function (PolyPhen-2) suggests that this variant is likely to be tolerated. This variant has not been reported in the literature in individuals affected with EXT2-related conditions. This variant is not present in population databases (gnomAD no frequency).

NM_207122.2(EXT2):c.1308G>T (p.Lys436Asn)

Genes: EXT2 (exostosin glycosyltransferase 2; plus strand), LOC126861201 (MED14-independent group 3 enhancer GRCh37_chr11:44218806-44220005; plus strand). Cytogenetic location: 11p11.2.
Variant type: single nucleotide variant.
Coding change: c.1308G>T on transcript NM_207122.2 (MANE Select); coding-DNA position 1308, G replaced by T.
Protein change: p.Lys436Asn; replaces lysine 436 with asparagine.
Molecular consequence: missense variant.
Genome position (GRCh38, 1-based): chr11:44,197,831, G>T. VCF-style: chr11-44197831-G-T. GRCh37 (hg19) VCF-style: chr11-44219381-G-T.
Other names: c.1407G>T, p.Lys469Asn (NM_000401.3); c.1338G>T, p.Lys446Asn (NM_001178083.3); c.1308G>T, p.Lys436Asn (NM_001389628.1, NM_001389630.1); short protein forms K469N, K436N, K446N.
Identifiers: ClinVar variation 2810195 (VCV002810195.3), dbSNP rs142792087, ClinGen allele CA380178923.